The following is an entry in ClinVar:

NM_015214.3(DDHD2):c.1546C>T (p.Arg516Ter)

Gene: DDHD2 (DDHD domain containing 2; plus strand). Cytogenetic location: 8p11.23.
Variant type: single nucleotide variant.
Coding change: c.1546C>T on transcript NM_015214.3 (MANE Select); coding-DNA position 1546, C replaced by T.
Protein change: p.Arg516Ter; replaces arginine 516 with a stop codon.
Molecular consequence: nonsense. On other transcripts: non-coding transcript variant (2).
Genome position (GRCh38, 1-based): chr8:38,252,216, C>T. VCF-style: chr8-38252216-C-T. GRCh37 (hg19) VCF-style: chr8-38109734-C-T.
Other names: c.1546C>T, p.Arg516Ter (NM_001164232.2, NM_001362911.2, NM_001362912.2 and 1 more transcripts); c.1456C>T, p.Arg486Ter (NM_001362913.2); short protein forms R516*, R486*.
Identifiers: ClinVar variation 39680 (VCV000039680.7), dbSNP rs373856119, ClinGen allele CA130451.

ClinVar aggregate classification (germline): Pathogenic. Review status: criteria provided, multiple submitters, no conflicts (2 of 4 stars). 4 submissions from 4 submitters: Pathogenic (2). 2 of the submissions do not count toward it. Last evaluated 2024-01-29.

Conditions:
Hereditary spastic paraplegia 54. Also called: Spastic paraplegia 54, autosomal recessive. Identifiers: Orphanet 320380, MedGen C3539495, MONDO:0014018, OMIM 615033.

Allele frequency attached by ClinVar (database versions not stated): ESP Exome Variant Server 0.00008; gnomAD exomes 0.00001; ExAC 0.00002; gnomAD 0.00002 and 0.00003; TOPMed 0.00002.
gnomAD v4.1: 20 of 1,613,934 alleles (0.0012%); highest among the groups gnomAD compares: East Asian, 0.0022%; no homozygotes.

Submissions (4):

Labcorp Genetics (formerly Invitae), Labcorp
Classification: Pathogenic for Hereditary spastic paraplegia 54. Last evaluated: 2024-01-29. Review status: criteria provided, single submitter. Criteria: Invitae Variant Classification Sherloc (09022015). Collection method: clinical testing. Allele origin: germline.
Comment: This sequence change creates a premature translational stop signal (p.Arg516*) in the DDHD2 gene. It is expected to result in an absent or disrupted protein product. Loss-of-function variants in DDHD2 are known to be pathogenic (PMID: 23176823, 23486545). This variant is present in population databases (rs373856119, gnomAD 0.01%). This premature translational stop signal has been observed in individual(s) with hereditary spastic paraplegia (PMID: 23176823). It has also been observed to segregate with disease in related individuals. ClinVar contains an entry for this variant (Variation ID: 39680). For these reasons, this variant has been classified as Pathogenic.

3billion
Classification: Pathogenic for Hereditary spastic paraplegia 54. Last evaluated: 2023-02-23. Review status: criteria provided, single submitter. Criteria: ACMG Guidelines, 2015. Collection method: clinical testing. Allele origin: unknown. Affected: yes.
Comment: The variant is observed at an extremely low frequency in the gnomAD v2.1.1 dataset (total allele frequency: 0.002%). This variant was predicted to result in a loss or disruption of normal protein function through nonsense-mediated decay (NMD) or protein truncation. Multiple pathogenic variants are reported downstream of the variant. It has been reported at least twice as pathogenic without evidence for the classification (PMID: 23176823). Therefore, this variant is classified as Pathogenic according to the recommendation of ACMG/AMP guideline.

Department of Genetics, Sultan Qaboos University Hospital
Classification: Pathogenic for Hereditary spastic paraplegia 54. Last evaluated: 2017-12-30. Review status: no assertion criteria provided. Collection method: curation. Allele origin: unknown. Affected: yes. Not counted in ClinVar's aggregate classification.

OMIM
Classification: Pathogenic for SPASTIC PARAPLEGIA 54, AUTOSOMAL RECESSIVE. Last evaluated: 2012-12-07. Review status: no assertion criteria provided. Collection method: literature only. Allele origin: germline. Not counted in ClinVar's aggregate classification.

Literature cited by the submitters: PubMed 23176823 (cited by 4 submitters); PubMed 23486545 (cited by Labcorp Genetics (formerly Invitae), Labcorp); PubMed 16636240 (cited by OMIM).